The following is an entry in ClinVar:

ClinVar aggregate classification (germline): Likely benign (1 of 4 stars; one submission).

Conditions:
Saldino-Mainzer syndrome (SRTD9). Also called: Renal dysplasia, retinal pigmentary dystrophy, cerebellar ataxia and skeletal dysplasia; SHORT-RIB THORACIC DYSPLASIA 9 WITHOUT POLYDACTYLY; CONORENAL SYNDROME; short-rib thoracic dysplasia 9 with or without polydactyly. Identifiers: Orphanet 140969, MedGen C1849437, MONDO:0009964, OMIM 266920.

Allele frequency attached by ClinVar (database versions not stated): gnomAD 0.00003 and 0.00008; gnomAD exomes 0.00006; TOPMed 0.00016; 1000 Genomes Project 0.00060; 1000 Genomes Project 30x 0.00094.
gnomAD v4.1: 17 of 244,530 alleles (0.007%); highest among the groups gnomAD compares: East Asian, 0.21%; no homozygotes.

Submission:

Illumina Laboratory Services, Illumina
Classification: Likely benign for Saldino-Mainzer syndrome. Last evaluated: 2018-01-12. Review status: criteria provided, single submitter. Criteria: ICSL Variant Classification Criteria 13 December 2019. Collection method: clinical testing. Allele origin: germline.
Comment: This variant was observed in the ICSL laboratory as part of a predisposition screen in an ostensibly healthy population. It had not been previously curated by ICSL or reported in the Human Gene Mutation Database (HGMD: prior to June 1st, 2018), and was therefore a candidate for classification through an automated scoring system. Utilizing variant allele frequency, disease prevalence and penetrance estimates, and inheritance mode, an automated score was calculated to assess if this variant is too frequent to cause the disease. Based on the score and internal cut-off values, a variant classified as likely benign is not then subjected to further curation. The score for this variant resulted in a classification of likely benign for this disease.

NM_014714.4(IFT140):c.*429C>T

Gene: IFT140 (intraflagellar transport 140; minus strand). Cytogenetic location: 16p13.3.
Variant type: single nucleotide variant.
Coding change: c.*429C>T on transcript NM_014714.4 (MANE Select); 429 bases downstream of the stop codon, C replaced by T.
Molecular consequence: 3 prime UTR variant.
Genome position (GRCh38, 1-based): chr16:1,510,515, G>A on the plus strand (C>T on the coding strand, the complement: IFT140 is on the minus strand). VCF-style: chr16-1510515-G-A. GRCh37 (hg19) VCF-style: chr16-1560516-G-A.
Identifiers: ClinVar variation 317974 (VCV000317974.5), dbSNP rs192256907, ClinGen allele CA10642970.